The following is an entry in ClinVar:

ClinVar aggregate classification (germline): Uncertain significance (1 of 4 stars; one submission).

Submission:

GeneDx
Classification: Uncertain significance. Last evaluated: 2024-08-16. Review status: criteria provided, single submitter. Criteria: GeneDx Variant Classification Process June 2021. Collection method: clinical testing. Allele origin: germline. Affected: yes.
Comment: Not observed at significant frequency in large population cohorts (gnomAD); In silico analysis supports that this missense variant has a deleterious effect on protein structure/function; Has not been previously published as pathogenic or benign to our knowledge

NM_006158.5(NEFL):c.395C>G (p.Pro132Arg)

Gene: NEFL (neurofilament light chain; minus strand). Cytogenetic location: 8p21.2.
Variant type: single nucleotide variant.
Coding change: c.395C>G on transcript NM_006158.5 (MANE Select); coding-DNA position 395, C replaced by G.
Protein change: p.Pro132Arg; replaces proline 132 with arginine.
Molecular consequence: missense variant.
Genome position (GRCh38, 1-based): chr8:24,956,121, G>C on the plus strand (C>G on the coding strand, the complement: NEFL is on the minus strand). VCF-style: chr8-24956121-G-C. GRCh37 (hg19) VCF-style: chr8-24813635-G-C.
Other names: short protein forms P132R.
Identifiers: ClinVar variation 3731204 (VCV003731204.1).